The following is an entry in ClinVar:

NM_005751.5(AKAP9):c.4626G>T (p.Lys1542Asn)

Gene: AKAP9 (A-kinase anchoring protein 9; plus strand). Cytogenetic location: 7q21.2.
Variant type: single nucleotide variant.
Coding change: c.4626G>T on transcript NM_005751.5 (MANE Select); coding-DNA position 4626, G replaced by T.
Protein change: p.Lys1542Asn; replaces lysine 1542 with asparagine.
Molecular consequence: missense variant.
Genome position (GRCh38, 1-based): chr7:92,038,706, G>T. VCF-style: chr7-92038706-G-T. GRCh37 (hg19) VCF-style: chr7-91668020-G-T.
Other names: c.4626G>T, p.Lys1542Asn (NM_147185.3); short protein forms K1542N.
Identifiers: ClinVar variation 1741983 (VCV001741983.2), dbSNP rs772229774, ClinGen allele CA368129189.

ClinVar aggregate classification (germline): Uncertain significance (1 of 4 stars; one submission).

Conditions:
Cardiovascular phenotype. Identifiers: MedGen CN230736.

Allele frequency attached by ClinVar (database versions not stated): TOPMed below 0.00001; gnomAD 0.00001.
gnomAD v4.1: 1 of 1,606,588 alleles (0.000062%); highest among the groups gnomAD compares: African/African-American, 0.0013%; no homozygotes.

Submission:

Ambry Genetics
Classification: Uncertain significance for Cardiovascular phenotype. Last evaluated: 2021-11-09. Review status: criteria provided, single submitter. Criteria: Ambry Variant Classification Scheme 2023. Collection method: clinical testing. Allele origin: germline.
Comment: The p.K1542N variant (also known as c.4626G>T), located in coding exon 17 of the AKAP9 gene, results from a G to T substitution at nucleotide position 4626. The lysine at codon 1542 is replaced by asparagine, an amino acid with similar properties. This amino acid position is conserved. In addition, this alteration is predicted to be tolerated by in silico analysis. Since supporting evidence is limited at this time, the clinical significance of this alteration remains unclear.